The following is an entry in ClinVar:

NM_000138.5(FBN1):c.1380T>G (p.Cys460Trp)

Gene: FBN1 (fibrillin 1; minus strand). Cytogenetic location: 15q21.1.
Variant type: single nucleotide variant.
Coding change: c.1380T>G on transcript NM_000138.5 (MANE Select); coding-DNA position 1380, T replaced by G.
Protein change: p.Cys460Trp; replaces cysteine 460 with tryptophan.
Molecular consequence: missense variant.
Genome position (GRCh38, 1-based): chr15:48,515,475, A>C on the plus strand (T>G on the coding strand, the complement: FBN1 is on the minus strand). VCF-style: chr15-48515475-A-C. GRCh37 (hg19) VCF-style: chr15-48807672-A-C.
Other names: c.1380T>G, p.Cys460Trp (NM_001406716.1); short protein forms C460W.
Identifiers: ClinVar variation 4635372 (VCV004635372.1).

ClinVar aggregate classification (germline): Likely pathogenic (1 of 4 stars; one submission).

Conditions:
Familial thoracic aortic aneurysm and aortic dissection (TAAD). Also called: Thoracic aortic aneurysms and dissections. Identifiers: Orphanet 91387, MedGen C4707243, MONDO:0019625.

Submission:

Ambry Genetics
Classification: Likely pathogenic for Familial thoracic aortic aneurysm and aortic dissection. Last evaluated: 2025-12-08. Review status: criteria provided, single submitter. Criteria: Ambry Variant Classification Scheme 2023. Collection method: clinical testing. Allele origin: germline.
Comment: The p.C460W variant (also known as c.1380T>G), located in coding exon 11 of the FBN1 gene, results from a T to G substitution at nucleotide position 1380. The cysteine at codon 460 is replaced by tryptophan, an amino acid with highly dissimilar properties. This variant was reported in individual(s) with features consistent with Marfan syndrome and related fibrillinopathies (Overwater E et al. Eur J Med Genet, 2017 Sep;60:465-473; Chen ZX et al. Hum Mutat, 2021 Dec;42:1637-1647; Li W et al. Invest Ophthalmol Vis Sci, 2023 Feb;64:5). The majority of FBN1 mutations identified to date have involved the substitution or generation of cysteine residues within cbEGF domains (Vollbrandt T et al. J Biol Chem. 2004;279(31):32924-32931). Internal structural analysis indicates this alteration eliminates a disulfide bond critical for the structural integrity of the EGF4 domain (Ambry internal data). This amino acid position is highly conserved in available vertebrate species. In addition, this alteration is predicted to be deleterious by in silico analysis. Based on the majority of available evidence to date, this variant is likely to be pathogenic.

Literature cited by the submitters: PubMed 28642162; PubMed 34281902; PubMed 34550612; PubMed 34818515; PubMed 36729443.